The following is an entry in ClinVar:

ClinVar aggregate classification (germline): Likely benign. Review status: criteria provided, multiple submitters, no conflicts (2 of 4 stars). 4 submissions from 4 submitters: Likely benign (3). 1 of the submissions does not count toward it. Last evaluated 2026-01-06.

Conditions:
LZTR1-related disorder. Also called: LZTR1-related disorders; LZTR1-related condition.
Cardiovascular phenotype. Identifiers: MedGen CN230736.
Hereditary cancer-predisposing syndrome. Also called: Neoplastic Syndromes, Hereditary; Hereditary neoplastic syndrome; Tumor predisposition; Hereditary Cancer Syndrome. Identifiers: Orphanet 140162, MedGen C0027672, MeSH D009386, MONDO:0015356.

Allele frequency attached by ClinVar (database versions not stated): gnomAD exomes 0.00001 and 0.00002; ExAC 0.00002; gnomAD 0.00002 and 0.00003; TOPMed 0.00003.
gnomAD v4.1: 31 of 1,613,960 alleles (0.0019%); highest among the groups gnomAD compares: Middle Eastern, 0.017%; no homozygotes.

Submissions (4):

Labcorp Genetics (formerly Invitae), Labcorp
Classification: Likely benign. Last evaluated: 2026-01-06. Review status: criteria provided, single submitter. Criteria: Invitae Variant Classification Sherloc (09022015). Collection method: clinical testing. Allele origin: germline.

Blueprint Genetics
Classification: Likely benign. Last evaluated: 2023-07-06. Review status: criteria provided, single submitter. Criteria: ACMG Guidelines, 2015. Collection method: clinical testing. Allele origin: germline.

Ambry Genetics
Classification: Likely benign for Cardiovascular phenotype; Hereditary cancer-predisposing syndrome. Last evaluated: 2020-12-31. Review status: criteria provided, single submitter. Criteria: Ambry Variant Classification Scheme 2023. Collection method: clinical testing. Allele origin: germline.

PreventionGenetics, part of Exact Sciences
Classification: Likely benign for LZTR1-related condition. Last evaluated: 2022-05-19. Review status: no assertion criteria provided. Collection method: clinical testing. Allele origin: germline. Not counted in ClinVar's aggregate classification.
Comment: This variant is classified as likely benign based on ACMG/AMP sequence variant interpretation guidelines (Richards et al. 2015 PMID: 25741868, with internal and published modifications).

NM_006767.4(LZTR1):c.582C>T (p.Asp194=)

Gene: LZTR1 (leucine zipper like post translational regulator 1; plus strand). Cytogenetic location: 22q11.21.
Variant type: single nucleotide variant.
Coding change: c.582C>T on transcript NM_006767.4 (MANE Select); coding-DNA position 582, C replaced by T.
Protein change: p.Asp194=; no amino-acid change (aspartic acid 194 retained).
Molecular consequence: synonymous variant.
Genome position (GRCh38, 1-based): chr22:20,988,861, C>T. VCF-style: chr22-20988861-C-T. GRCh37 (hg19) VCF-style: chr22-21343150-C-T.
Identifiers: ClinVar variation 1557652 (VCV001557652.13), dbSNP rs753897372, ClinGen allele CA10118492.
Genomic context (GRCh38, chr22:20,988,861, plus strand): 5'-TAGGTCAGCCCATGGGGCCACGGTGTACAGTGACAAGCTGTGGATCTTTGCTGGCTATGA[C>T]GGCAACGCCAGGTGGGTGGTGGTCCGGCCTGTGCACCCCACCTCCGACAGCACTGAGACC-3'
Protein context (NP_006758.2, residues 184-204): SDKLWIFAGY[Asp194=]GNARLNDMWT